The following is an entry in ClinVar:

ClinVar aggregate classification (germline): Uncertain significance. Review status: criteria provided, multiple submitters, no conflicts (2 of 4 stars). 4 submissions from 4 submitters: Uncertain significance (4). Last evaluated 2024-11-25.

Conditions:
Inborn genetic diseases. Identifiers: MedGen C0950123, MeSH D030342.
Muscular dystrophy-dystroglycanopathy (congenital with brain and eye anomalies), type a, 11 (MDDGA11). Also called: WALKER-WARBURG SYNDROME OR MUSCLE-EYE-BRAIN DISEASE, B3GALNT2-RELATED; Congenital muscular dystrophy-dystroglycanopathy with brain and eye anomalies, type A11; Muscular dystrophy-dystroglycanopathy (congenital with brain and eye anomalies, type A, 11. Identifiers: Orphanet 588, Orphanet 899, MedGen C3554638, MONDO:0014071, OMIM 615181.

Allele frequency attached by ClinVar (database versions not stated): gnomAD exomes 0.00003; ExAC 0.00004; gnomAD 0.00009; TOPMed 0.00012; ESP Exome Variant Server 0.00023.

Submissions (4):

Labcorp Genetics (formerly Invitae), Labcorp
Classification: Uncertain significance for Muscular dystrophy-dystroglycanopathy (congenital with brain and eye anomalies), type a, 11. Last evaluated: 2024-11-25. Review status: criteria provided, single submitter. Criteria: Invitae Variant Classification Sherloc (09022015). Collection method: clinical testing. Allele origin: germline.
Comment: This sequence change replaces valine, which is neutral and non-polar, with isoleucine, which is neutral and non-polar, at codon 156 of the B3GALNT2 protein (p.Val156Ile). This variant is present in population databases (rs151133469, gnomAD 0.03%). This variant has not been reported in the literature in individuals affected with B3GALNT2-related conditions. ClinVar contains an entry for this variant (Variation ID: 386896). Invitae Evidence Modeling of protein sequence and biophysical properties (such as structural, functional, and spatial information, amino acid conservation, physicochemical variation, residue mobility, and thermodynamic stability) indicates that this missense variant is not expected to disrupt B3GALNT2 protein function with a negative predictive value of 80%. In summary, the available evidence is currently insufficient to determine the role of this variant in disease. Therefore, it has been classified as a Variant of Uncertain Significance.

Ambry Genetics
Classification: Uncertain significance for Inborn genetic diseases. Last evaluated: 2024-03-07. Review status: criteria provided, single submitter. Criteria: Ambry Variant Classification Scheme 2023. Collection method: clinical testing. Allele origin: germline.

GeneDx
Classification: Uncertain significance. Last evaluated: 2023-08-01. Review status: criteria provided, single submitter. Criteria: GeneDx Variant Classification Process June 2021. Collection method: clinical testing. Allele origin: germline. Affected: yes.
Comment: In silico analysis supports that this missense variant does not alter protein structure/function; Has not been previously published as pathogenic or benign to our knowledge

Revvity Omics, Revvity
Classification: Uncertain significance for Muscular dystrophy-dystroglycanopathy (congenital with brain and eye anomalies), type a, 11. Last evaluated: 2019-05-21. Review status: criteria provided, single submitter. Criteria: ACMG Guidelines, 2015. Collection method: clinical testing. Allele origin: germline.

NM_152490.5(B3GALNT2):c.466G>A (p.Val156Ile)

Gene: B3GALNT2 (beta-1,3-N-acetylgalactosaminyltransferase 2; minus strand). Cytogenetic location: 1q42.3.
Variant type: single nucleotide variant.
Coding change: c.466G>A on transcript NM_152490.5 (MANE Select); coding-DNA position 466, G replaced by A.
Protein change: p.Val156Ile; replaces valine 156 with isoleucine.
Molecular consequence: missense variant.
Genome position (GRCh38, 1-based): chr1:235,484,411, C>T on the plus strand (G>A on the coding strand, the complement: B3GALNT2 is on the minus strand). VCF-style: chr1-235484411-C-T. GRCh37 (hg19) VCF-style: chr1-235647727-C-T.
Other names: c.466G>A (NM_152490.3); c.589G>A, p.Val197Ile (NM_001277155.3); short protein forms V156I, V197I.
Identifiers: ClinVar variation 386896 (VCV000386896.13), dbSNP rs151133469, ClinGen allele CA1464899.